The following is an entry in ClinVar:

NM_014629.4(ARHGEF10):c.877T>C (p.Tyr293His)

Gene: ARHGEF10 (Rho guanine nucleotide exchange factor 10; plus strand). Cytogenetic location: 8p23.3.
Variant type: single nucleotide variant.
Coding change: c.877T>C on transcript NM_014629.4 (MANE Select); coding-DNA position 877, T replaced by C.
Protein change: p.Tyr293His; replaces tyrosine 293 with histidine.
Molecular consequence: missense variant. On other transcripts: intron variant (1).
Genome position (GRCh38, 1-based): chr8:1,880,081, T>C. VCF-style: chr8-1880081-T-C. GRCh37 (hg19) VCF-style: chr8-1828247-T-C.
Other names: c.880T>C, p.Tyr294His (NM_001308153.3); c.847-2554T>C (NM_001308152.2); short protein forms Y293H, Y318H, Y294H.
Identifiers: ClinVar variation 2100822 (VCV002100822.4), dbSNP rs2537166055, ClinGen allele CA369956300.
Genomic context (GRCh38, chr8:1,880,081, plus strand): 5'-AAAAGACTGTGTCTCTTTATGCTGTAGCTTTCTCATGACCTAACCCGTTTAAAGGAGCAC[T>C]ATGAGAAAAAGATGAGAGATTTGATGGCAAGCACGGTGGGCGTGGTGGAGATTCAGCAGC-3'
Protein context (NP_055444.2, residues 283-303): SHDLTRLKEH[Tyr293His]EKKMRDLMAS

ClinVar aggregate classification (germline): Uncertain significance (1 of 4 stars; one submission).

Allele frequency attached by ClinVar (database versions not stated): gnomAD exomes below 0.00001.
gnomAD v4.1: 2 of 1,613,978 alleles (0.00012%); highest among the groups gnomAD compares: Non-Finnish European, 0.00017%; no homozygotes.

Submission:

Labcorp Genetics (formerly Invitae), Labcorp
Classification: Uncertain significance. Last evaluated: 2022-06-23. Review status: criteria provided, single submitter. Criteria: Invitae Variant Classification Sherloc (09022015). Collection method: clinical testing. Allele origin: germline.
Comment: This variant is not present in population databases (gnomAD no frequency). This sequence change replaces tyrosine, which is neutral and polar, with histidine, which is basic and polar, at codon 293 of the ARHGEF10 protein (p.Tyr293His). This variant has not been reported in the literature in individuals affected with ARHGEF10-related conditions. Algorithms developed to predict the effect of missense changes on protein structure and function are either unavailable or do not agree on the potential impact of this missense change (SIFT: "Tolerated"; PolyPhen-2: "Probably Damaging"; Align-GVGD: "Class C0"). In summary, the available evidence is currently insufficient to determine the role of this variant in disease. Therefore, it has been classified as a Variant of Uncertain Significance.